The following is an entry in ClinVar:

ClinVar aggregate classification (germline): Likely benign (1 of 4 stars; one submission).

Allele frequency attached by ClinVar (database versions not stated): gnomAD 0.00001.
gnomAD v4.1: 43 of 1,098,420 alleles (0.0039%); highest among the groups gnomAD compares: East Asian, 0.017%; no homozygotes.

Submission:

CeGaT Center for Human Genetics Tuebingen
Classification: Likely benign. Last evaluated: 2023-03-01. Review status: criteria provided, single submitter. Criteria: CeGaT Center For Human Genetics Tuebingen Variant Classification Criteria Version 2. Collection method: clinical testing. Allele origin: germline. Affected: yes. Observed: 1 variant allele.
Comment: SKIDA1: BP4, BP7

NM_207371.4(SKIDA1):c.693C>T (p.Ala231=)

Gene: SKIDA1 (SKI/DACH domain containing 1; minus strand). Cytogenetic location: 10p12.31.
Variant type: single nucleotide variant.
Coding change: c.693C>T on transcript NM_207371.4 (MANE Select); coding-DNA position 693, C replaced by T.
Protein change: p.Ala231=; no amino-acid change (alanine 231 retained).
Molecular consequence: synonymous variant.
Genome position (GRCh38, 1-based): chr10:21,517,130, G>A on the plus strand (C>T on the coding strand, the complement: SKIDA1 is on the minus strand). VCF-style: chr10-21517130-G-A. GRCh37 (hg19) VCF-style: chr10-21806059-G-A.
Identifiers: ClinVar variation 2640345 (VCV002640345.24), dbSNP rs1368753679, ClinGen allele CA468650686.
Genomic context (GRCh38, chr10:21,517,130, plus strand): 5'-GGCCGCCGATACCTGGTAATAGGCGGCGGCGGCGGCGGCGGCGGCGGCGGCAGCAGCGGC[G>A]GCGGCGGCGGCGGCGGCGGCTGCCGGGTGTTTGCTGCACAGCAGGCTCCGAAAATAAGCA-3'
Protein context (NP_997254.3, residues 221-241): KHPAAAAAAA[Ala231=]AAAAAAAAAA